The following is an entry in ClinVar:

NM_001257180.2(SLC20A2):c.893C>T (p.Ser298Leu)

Gene: SLC20A2 (solute carrier family 20 member 2; minus strand). Cytogenetic location: 8p11.21.
Variant type: single nucleotide variant.
Coding change: c.893C>T on transcript NM_001257180.2 (MANE Select); coding-DNA position 893, C replaced by T.
Protein change: p.Ser298Leu; replaces serine 298 with leucine.
Molecular consequence: missense variant.
Genome position (GRCh38, 1-based): chr8:42,439,491, G>A on the plus strand (C>T on the coding strand, the complement: SLC20A2 is on the minus strand). VCF-style: chr8-42439491-G-A. GRCh37 (hg19) VCF-style: chr8-42297009-G-A.
Other names: c.893C>T, p.Ser298Leu (NM_001257181.2, NM_006749.5); short protein forms S298L.
Identifiers: ClinVar variation 3610663 (VCV003610663.2).

ClinVar aggregate classification (germline): Uncertain significance (1 of 4 stars; one submission).

gnomAD v4.1: 40 of 1,614,006 alleles (0.0025%); highest among the groups gnomAD compares: Middle Eastern, 0.1%; no homozygotes.

Submission:

Labcorp Genetics (formerly Invitae), Labcorp
Classification: Uncertain significance. Last evaluated: 2024-11-19. Review status: criteria provided, single submitter. Criteria: Invitae Variant Classification Sherloc (09022015). Collection method: clinical testing. Allele origin: germline.
Comment: This sequence change replaces serine, which is neutral and polar, with leucine, which is neutral and non-polar, at codon 298 of the SLC20A2 protein (p.Ser298Leu). This variant is present in population databases (rs115932374, gnomAD 0.002%). This variant has not been reported in the literature in individuals affected with SLC20A2-related conditions. Invitae Evidence Modeling of protein sequence and biophysical properties (such as structural, functional, and spatial information, amino acid conservation, physicochemical variation, residue mobility, and thermodynamic stability) indicates that this missense variant is not expected to disrupt SLC20A2 protein function with a negative predictive value of 95%. In summary, the available evidence is currently insufficient to determine the role of this variant in disease. Therefore, it has been classified as a Variant of Uncertain Significance.